The following is an entry in ClinVar:

NM_001127511.3(APC):c.137C>T (p.Thr46Ile)

Gene: APC (APC regulator of Wnt signaling pathway; plus strand). Cytogenetic location: 5q22.2.
Variant type: single nucleotide variant.
Coding change: c.137C>T on transcript NM_001127511.3; coding-DNA position 137, C replaced by T.
Protein change: p.Thr46Ile; replaces threonine 46 with isoleucine.
Molecular consequence: missense variant. On other transcripts: 5 prime UTR variant (8), non-coding transcript variant (1), intron variant (5).
Genome position (GRCh38, 1-based): chr5:112,707,854, C>T. VCF-style: chr5-112707854-C-T. GRCh37 (hg19) VCF-style: chr5-112043551-C-T.
Other names: c.-47C>T (NM_001354895.2, NM_001407447.1, NM_001407452.1 and 3 more transcripts); c.137C>T, p.Thr46Ile (NM_001354897.2, NM_001354902.2, NM_001407446.1); c.-1082C>T (NM_001407470.1, NM_001407472.1); c.-19+205C>T (NM_001407448.1, NM_001407450.1, NM_001407457.1 and 1 more transcripts); c.-43+205C>T (NM_001407453.1); short protein forms T46I.
Identifiers: ClinVar variation 505522 (VCV000505522.11), dbSNP rs1016971418, ClinGen allele CA360612118.

ClinVar aggregate classification (germline): Uncertain significance. Review status: criteria provided, multiple submitters, no conflicts (2 of 4 stars). 2 submissions from 2 submitters: Uncertain significance (2). Last evaluated 2025-10-27.

Conditions:
Familial adenomatous polyposis 1 (FAP1). Also called: FAMILIAL ADENOMATOUS POLYPOSIS 1, ATTENUATED; POLYPOSIS, ADENOMATOUS INTESTINAL. Identifiers: MedGen C2713442, MONDO:0021056, OMIM 175100. Disease mechanism: loss of function.

Allele frequency attached by ClinVar (database versions not stated): TOPMed 0.00001; gnomAD exomes 0.00002.
gnomAD v4.1: 26 of 1,370,090 alleles (0.0019%); highest among the groups gnomAD compares: Non-Finnish European, 0.0025%; no homozygotes.

Submissions (2):

Labcorp Genetics (formerly Invitae), Labcorp
Classification: Uncertain significance for Familial adenomatous polyposis 1. Last evaluated: 2025-10-27. Review status: criteria provided, single submitter. Criteria: Invitae Variant Classification Sherloc (09022015). Collection method: clinical testing. Allele origin: germline.
Comment: This variant occurs in a non-coding region of the APC gene. It does not change the encoded amino acid sequence of the APC protein. This variant is not present in population databases (gnomAD no frequency). This variant has not been reported in the literature in individuals affected with APC-related conditions. Experimental studies and prediction algorithms are not available or were not evaluated, and the functional significance of this variant is currently unknown. In summary, the available evidence is currently insufficient to determine the role of this variant in disease. Therefore, it has been classified as a Variant of Uncertain Significance.

Laboratory for Molecular Medicine, Mass General Brigham Personalized Medicine
Classification: Uncertain significance. Last evaluated: 2017-01-11. Review status: criteria provided, single submitter. Criteria: LMM Criteria. Collection method: clinical testing. Allele origin: germline. Observed: 1 variant allele.
Comment: The p.Thr46Ile variant in APC has not been previously reported in individuals wi th FAP or other APC-associated disorders. Though this variant is in the coding r egion of only one APC transcript and in the 5'-UTR of the major transcripts, var iants upstream of this region of the gene have been reported in patients with AP C-related cancers (Li 2016, Yamaguchi 2016). Data from large population studies is insufficient to assess the frequency of this variant. Computational predictio n tools and conservation analysis do not provide strong support for or against a n impact to the protein. In summary, the clinical significance of the p.Thr46Ile variant is uncertain.

Literature cited by the submitters: PubMed 27087319 (cited by Laboratory for Molecular Medicine, Mass General Brigham Personalized Medicine).